The following is an entry in ClinVar:

NC_000002.11:g.(?_71783085)_(71913729_?)del

Gene: DYSF (dysferlin; plus strand). Cytogenetic location: 2p13.2.
Variant type: Deletion.
Identifiers: ClinVar variation 1076980 (VCV001076980.1).

ClinVar aggregate classification (germline): Pathogenic (1 of 4 stars; one submission).

Conditions:
Neuromuscular disease caused by qualitative or quantitative defects of dysferlin. Also called: Qualitative or quantitative defects of dysferlin; Dysferlinopathy. Identifiers: Orphanet 207073, MedGen C2931687, MONDO:0016145.

Submission:

Labcorp Genetics (formerly Invitae), Labcorp
Classification: Pathogenic for Neuromuscular disease caused by qualitative or quantitative defects of dysferlin. Last evaluated: 2020-09-25. Review status: criteria provided, single submitter. Criteria: Invitae Variant Classification Sherloc (09022015). Collection method: clinical testing. Allele origin: germline.
Comment: This variant is a gross deletion of the genomic region encompassing exon(s) 22-55 of the DYSF gene. The 5' boundary is likely confined to intron 21. The 3' end of this event is unknown as it extends through the termination codon beyond the assayed region for this gene and may encompass additional genes. While this deletion is not anticipated to result in nonsense mediated decay, it is expected to create a truncated protein product or disrupt mRNA translation. This variant has not been reported in the literature in individuals with DYSF-related conditions. The region of the DYSF gene that includes exon(s) 55 has been determined to be clinically significant (PMID: 19594366, Invitae). Therefore, deletions that encompass that region are likely to disrupt protein function and cause disease. For these reasons, this variant has been classified as Pathogenic.

Literature cited by the submitters: PubMed 19594366.